The following is an entry in ClinVar:

ClinVar aggregate classification (germline): Uncertain significance. Review status: criteria provided, multiple submitters, no conflicts (2 of 4 stars). 2 submissions from 2 submitters: Uncertain significance (2). Last evaluated 2026-06-22.

Conditions:
POLD1-related polyposis and colorectal cancer syndrome (CRCS10). Also called: Colorectal cancer 10; COLORECTAL CANCER, SUSCEPTIBILITY TO, ON CHROMOSOME 19q; Colorectal cancer, susceptibility to, 10. Identifiers: Orphanet 220460, MedGen C2675481, MONDO:0012953, OMIM 612591.
Hereditary cancer-predisposing syndrome. Also called: Hereditary Cancer Syndrome; Hereditary neoplastic syndrome; Neoplastic Syndromes, Hereditary; Tumor predisposition. Identifiers: Orphanet 140162, MedGen C0027672, MeSH D009386, MONDO:0015356.

Submissions (2):

Ambry Genetics
Classification: Uncertain significance for Hereditary cancer-predisposing syndrome. Last evaluated: 2026-06-22. Review status: criteria provided, single submitter. Criteria: Ambry Variant Classification Scheme 2023. Collection method: clinical testing. Allele origin: germline.
Comment: The p.E330D variant (also known as c.990G>T), located in coding exon 8 of the POLD1 gene, results from a G to T substitution at nucleotide position 990. The glutamic acid at codon 330 is replaced by aspartic acid, an amino acid with highly similar properties. This amino acid position is not well conserved in available vertebrate species, and aspartic acid is the reference amino acid in other vertebrate species. In addition, this alteration is predicted to be tolerated by in silico analysis. Based on the available evidence, the clinical significance of this variant remains unclear.

Labcorp Genetics (formerly Invitae), Labcorp
Classification: Uncertain significance for POLD1-related polyposis and colorectal cancer syndrome. Last evaluated: 2025-10-30. Review status: criteria provided, single submitter. Criteria: Invitae Variant Classification Sherloc (09022015). Collection method: clinical testing. Allele origin: germline.
Comment: This sequence change replaces glutamic acid, which is acidic and polar, with aspartic acid, which is acidic and polar, at codon 330 of the POLD1 protein (p.Glu330Asp). This variant is not present in population databases (gnomAD no frequency). This variant has not been reported in the literature in individuals affected with POLD1-related conditions. Invitae Evidence Modeling of protein sequence and biophysical properties (such as structural, functional, and spatial information, amino acid conservation, physicochemical variation, residue mobility, and thermodynamic stability) indicates that this missense variant is not expected to disrupt POLD1 protein function with a negative predictive value of 80%. In summary, the available evidence is currently insufficient to determine the role of this variant in disease. Therefore, it has been classified as a Variant of Uncertain Significance.

NM_002691.4(POLD1):c.990G>T (p.Glu330Asp)

Gene: POLD1 (DNA polymerase delta 1, catalytic subunit; plus strand). Cytogenetic location: 19q13.33.
Variant type: single nucleotide variant.
Coding change: c.990G>T on transcript NM_002691.4 (MANE Select); coding-DNA position 990, G replaced by T.
Protein change: p.Glu330Asp; replaces glutamic acid 330 with aspartic acid.
Molecular consequence: missense variant. On other transcripts: non-coding transcript variant (1).
Genome position (GRCh38, 1-based): chr19:50,403,072, G>T. VCF-style: chr19-50403072-G-T. GRCh37 (hg19) VCF-style: chr19-50906329-G-T.
Other names: c.990G>T, p.Glu330Asp (NM_001256849.1, NM_001308632.1, NM_001438210.1 and 3 more transcripts); c.990G>T (NM_002691.2); short protein forms E330D.
Identifiers: ClinVar variation 4768558 (VCV004768558.2).